The following is an entry in ClinVar:

ClinVar aggregate classification (germline): Uncertain significance (1 of 4 stars; one submission).

Conditions:
KAT2B-related disorder. Also called: KAT2B-related condition.

Submission:

PreventionGenetics, part of Exact Sciences
Classification: Uncertain significance for KAT2B-related condition. Last evaluated: 2026-09-24. Review status: criteria provided, single submitter. Criteria: ACMG Guidelines, 2015. Collection method: clinical testing. Allele origin: germline.
Comment: The KAT2B c.497T>G variant is predicted to result in the amino acid substitution p.Leu166Trp. To our knowledge, this variant has not been reported in the literature or in a large population database (gnomAD), indicating this variant is rare. At this time, the clinical significance of this variant is uncertain due to the absence of conclusive functional and genetic evidence.

NM_003884.5(KAT2B):c.497T>G (p.Leu166Trp)

Gene: KAT2B (lysine acetyltransferase 2B; plus strand). Cytogenetic location: 3p24.3.
Variant type: single nucleotide variant.
Coding change: c.497T>G on transcript NM_003884.5 (MANE Select); coding-DNA position 497, T replaced by G.
Protein change: p.Leu166Trp; replaces leucine 166 with tryptophan.
Molecular consequence: missense variant.
Genome position (GRCh38, 1-based): chr3:20,095,329, T>G. VCF-style: chr3-20095329-T-G. GRCh37 (hg19) VCF-style: chr3-20136821-T-G.
Other names: short protein forms L166W.
Identifiers: ClinVar variation 4992101 (VCV004992101.1).